The following is an entry in ClinVar:

NM_000352.6(ABCC8):c.4431del (p.Glu1479fs)

Gene: ABCC8 (ATP binding cassette subfamily C member 8; minus strand). Cytogenetic location: 11p15.1.
Variant type: Deletion.
Coding change: c.4431del on transcript NM_000352.6 (MANE Select); coding-DNA position 4431, one base deleted (C; older notation c.4431delC).
Protein change: p.Glu1479fs; shifts the reading frame from glutamic acid 1479.
Molecular consequence: frameshift variant. On other transcripts: non-coding transcript variant (1).
Genome position (GRCh38, 1-based): chr11:17,394,380, G deleted on the plus strand (C on the coding strand, the reverse complement: ABCC8 is on the minus strand). VCF-style (leftmost placement, unchanged base first): chr11-17394379-CG-C. GRCh37 (hg19) VCF-style: chr11-17415926-CG-C.
Other names: c.4434del, p.Glu1480fs (NM_001287174.3); c.4497del, p.Glu1501fs (NM_001351295.2); c.4431del, p.Glu1479fs (NM_001351296.2); c.4428del, p.Glu1478fs (NM_001351297.2); short protein forms E1478fs, E1479fs, E1480fs, E1501fs.
Identifiers: ClinVar variation 5013560 (VCV005013560.1).

ClinVar aggregate classification (germline): Pathogenic (1 of 4 stars; one submission).

Conditions:
Hyperinsulinemic hypoglycemia, familial, 1 (HHF1). Also called: HYPERINSULINISM, FAMILIAL, WITH PANCREATIC NESIDIOBLASTOSIS; HYPOGLYCEMIA, HYPERINSULINEMIC, OF INFANCY; NESIDIOBLASTOSIS OF PANCREAS; Persistent Hyperinsulinemia Hypoglycemia of Infancy; Persistent hyperinsulinemic hypoglycemia of infancy. Identifiers: Orphanet 276575, Orphanet 276598, MedGen C2931832, MONDO:0009734, OMIM 256450.

Submission:

Myriad Genetics, Inc.
Classification: Pathogenic for Hyperinsulinemic hypoglycemia, familial, 1. Last evaluated: 2024-09-17. Review status: criteria provided, single submitter. Criteria: Myriad Autosomal Dominant, Autosomal Recessive and X-Linked Classification Criteria (2023). Collection method: clinical testing. Allele origin: unknown.
Comment: NM_000352.3(ABCC8):c.4431delC(E1479Rfs*18) is expected to be pathogenic in the context of familial hyperinsulinism, ABCC8-related. This variant is predicted to lead to an abnormal or absent protein product due to the creation of a premature termination codon in ABCC8, a gene where loss-of-function variants are known to be pathogenic. Please note: this variant was assessed in the context of healthy population screening.